The following is an entry in ClinVar:

NM_006254.4(PRKCD):c.1781_1782delinsTG (p.Thr594Met)

Gene: PRKCD (protein kinase C delta; plus strand). Cytogenetic location: 3p21.1.
Variant type: Indel.
Coding change: c.1781_1782delinsTG on transcript NM_006254.4 (MANE Select); coding-DNA positions 1781 to 1782, CC replaced by TG.
Protein change: p.Thr594Met; replaces threonine 594 with methionine.
Molecular consequence: missense variant.
Genome position (GRCh38, 1-based): chr3:53,189,910-53,189,911, CC replaced by TG. VCF-style: chr3-53189910-CC-TG. GRCh37 (hg19) VCF-style: chr3-53223926-CC-TG.
Other names: c.1781_1782delinsTG, p.Thr594Met (NM_001316327.2, NM_001354679.2, NM_001354680.2 and 2 more transcripts); c.1838_1839delinsTG, p.Thr613Met (NM_001354676.2); c.1829_1830delinsTG, p.Thr610Met (NM_001354678.2); short protein forms T613M, T610M, T594M.
Identifiers: ClinVar variation 660505 (VCV000660505.4), dbSNP rs1575545467, ClinGen allele CA915942974.

ClinVar aggregate classification (germline): Uncertain significance (1 of 4 stars; one submission).

Conditions:
Autoimmune lymphoproliferative syndrome, type III caused by mutation in PRKCD. Identifiers: Orphanet 3261, Orphanet 664711, MedGen C3809928, MONDO:8000024, OMIM 615559.

Submission:

Labcorp Genetics (formerly Invitae), Labcorp
Classification: Uncertain significance for Autoimmune lymphoproliferative syndrome, type III caused by mutation in PRKCD. Last evaluated: 2026-01-06. Review status: criteria provided, single submitter. Criteria: Invitae Variant Classification Sherloc (09022015). Collection method: clinical testing. Allele origin: germline.
Comment: This sequence change replaces threonine, which is neutral and polar, with methionine, which is neutral and non-polar, at codon 594 of the PRKCD protein (p.Thr594Met). This variant is present in population databases (no rsID available, gnomAD 0.007%). This variant has not been reported in the literature in individuals affected with PRKCD-related conditions. ClinVar contains an entry for this variant (Variation ID: 660505). An algorithm developed to predict the effect of missense changes on protein structure and function (PolyPhen-2) suggests that this variant is likely to be disruptive. In summary, the available evidence is currently insufficient to determine the role of this variant in disease. Therefore, it has been classified as a Variant of Uncertain Significance.